The following is an entry in ClinVar:

ClinVar aggregate classification (germline): Likely benign. Review status: criteria provided, multiple submitters, no conflicts (2 of 4 stars). 5 submissions from 5 submitters: Likely benign (5). Last evaluated 2025-11-24.

Conditions:
Hereditary cancer-predisposing syndrome. Also called: Hereditary Cancer Syndrome; Tumor predisposition; Neoplastic Syndromes, Hereditary; Hereditary neoplastic syndrome. Identifiers: Orphanet 140162, MedGen C0027672, MeSH D009386, MONDO:0015356.
Familial cancer of breast. Also called: BREAST CANCER, FAMILIAL; Hereditary breast cancer; hereditary breast carcinoma. Identifiers: Orphanet 227535, MedGen C0346153, MONDO:0016419, OMIM 114480. Disease mechanism: loss of function.
Ataxia-telangiectasia syndrome (AT). Also called: Cerebello-oculocutaneous telangiectasia; Immunodeficiency with ataxia telangiectasia; AT, COMPLEMENTATION GROUP C; Ataxia-telangiectasia, complementation group D; LOUIS-BAR SYNDROME; Ataxia-telangiectasia, complementation group E. Identifiers: Orphanet 100, MedGen C0004135, MONDO:0008840, OMIM 208900.

Allele frequency attached by ClinVar (database versions not stated): gnomAD exomes 0.00001; gnomAD 0.00005; TOPMed 0.00008.
gnomAD v4.1: 27 of 1,613,180 alleles (0.0017%); highest among the groups gnomAD compares: African/African-American, 0.02%; no homozygotes.

Submissions (5):

Labcorp Genetics (formerly Invitae), Labcorp
Classification: Likely benign for Ataxia-telangiectasia syndrome. Last evaluated: 2025-11-24. Review status: criteria provided, single submitter. Criteria: Invitae Variant Classification Sherloc (09022015). Collection method: clinical testing. Allele origin: germline.

Myriad Genetics, Inc.
Classification: Likely benign for Familial cancer of breast. Last evaluated: 2024-05-17. Review status: criteria provided, single submitter. Criteria: Myriad Autosomal Dominant, Autosomal Recessive and X-Linked Classification Criteria (2023). Collection method: clinical testing. Allele origin: unknown.
Comment: This variant is considered likely benign. This variant is intronic and is not expected to impact mRNA splicing.

Department of Pathology and Laboratory Medicine, Sinai Health System
Classification: Likely benign for Familial cancer of breast; Ataxia-telangiectasia syndrome. Last evaluated: 2023-08-28. Review status: criteria provided, single submitter. Criteria: ACMG Guidelines, 2015. Collection method: clinical testing. Allele origin: germline. Affected: yes.

GeneDx
Classification: Likely benign. Last evaluated: 2017-05-08. Review status: criteria provided, single submitter. Criteria: GeneDx Variant Classification (06012015). Collection method: clinical testing. Allele origin: germline. Affected: yes.
Comment: This variant is considered likely benign or benign based on one or more of the following criteria: it is a conservative change, it occurs at a poorly conserved position in the protein, it is predicted to be benign by multiple in silico algorithms, and/or has population frequency not consistent with disease.

Color Diagnostics, LLC DBA Color Health
Classification: Likely benign for Hereditary cancer-predisposing syndrome. Last evaluated: 2016-04-27. Review status: criteria provided, single submitter. Criteria: ACMG Guidelines, 2015. Collection method: clinical testing. Allele origin: germline.

NM_000051.4(ATM):c.4437-14T>C

Gene: ATM (ATM serine/threonine kinase; plus strand). Cytogenetic location: 11q22.3.
Variant type: single nucleotide variant.
Coding change: c.4437-14T>C on transcript NM_000051.4 (MANE Select); 14 bases into the intron before coding-DNA position 4437, T replaced by C.
Molecular consequence: intron variant.
Genome position (GRCh38, 1-based): chr11:108,292,605, T>C. VCF-style: chr11-108292605-T-C. GRCh37 (hg19) VCF-style: chr11-108163332-T-C.
Other names: c.4437-14T>C (NM_001351834.2).
Identifiers: ClinVar variation 509405 (VCV000509405.12), dbSNP rs900984301, ClinGen allele CA228378082.